The following is an entry in ClinVar:

NM_000518.5(HBB):c.287dup (p.Leu97fs)

Genes: HBB (hemoglobin subunit beta; minus strand), LOC106099062 (HBB recombination region; plus strand), LOC107133510 (origin of replication at HBB; plus strand). Cytogenetic location: 11p15.4.
Variant type: Duplication.
Coding change: c.287dup on transcript NM_000518.5 (MANE Select); coding-DNA position 287, one base duplicated (A; older notation c.287dupA).
Protein change: p.Leu97fs; shifts the reading frame from leucine 97.
Molecular consequence: frameshift variant.
Genome position (GRCh38, 1-based): chr11:5,226,605, T duplicated on the plus strand (A on the coding strand, the reverse complement: HBB is on the minus strand); the first of 2 consecutive T bases (chr11:5,226,605-5,226,606); duplicating either gives the same sequence. VCF-style (leftmost placement, unchanged base first): chr11-5226604-C-CT. GRCh37 (hg19) VCF-style: chr11-5247834-C-CT.
Other names: CD 95 (+A); c.287dupA (NM_000518.4, NM_000518.5); short protein forms L97fs.
Identifiers: ClinVar variation 36309 (VCV000036309.110), dbSNP rs34937014, ClinGen allele CA342855.

ClinVar aggregate classification (germline): Pathogenic. Review status: criteria provided, multiple submitters, no conflicts (2 of 4 stars). 5 submissions from 5 submitters: Pathogenic (4). 1 of the submissions does not count toward it. Last evaluated 2025-10-23.

Conditions:
beta Thalassemia (BTHAL). Also called: Cooley's anemia; Erythroblastic anemia; Mediterranean anemia. Identifiers: Orphanet 848, MedGen C0005283, MONDO:0019402. Disease mechanism: loss of function.

Submissions (5):

Quest Diagnostics Nichols Institute San Juan Capistrano
Classification: Pathogenic. Last evaluated: 2025-10-23. Review status: criteria provided, single submitter. Criteria: Quest Diagnostics criteria. Collection method: clinical testing. Allele origin: unknown.
Comment: The HBB c.287dup (p.Leu97Alafs*6) (also known as Codon 95 (+A), c.287_288insA and c.287dupA) variant alters the translational reading frame of the HBB mRNA and causes the premature termination of HBB protein synthesis. This variant has been commonly reported in the published literature in individuals with beta-thalassemia from Vietnam (PMID: 8889595 (1996), 12353305 (2002), 35023007 (2022)). This variant has also been reported in individuals with beta-thalassemia/HbE (PMID: 1515453 (1992), 10870880 (2000), 28671035 (2017), HbVar). This variant has not been reported in large, multi-ethnic general populations (Genome Aggregation Database). Based on the available information, this variant is classified as pathogenic.

Natera, Inc.
Classification: Pathogenic for Beta thalassemia. Last evaluated: 2025-03-28. Review status: criteria provided, single submitter. Criteria: Natera Variant Classification Schema (03/2026). Collection method: clinical testing. Allele origin: germline.
Comment: The c.287dupA variant in HBB is a frameshift variant predicted to shift the reading frame beginning at codon 97 and leads to a stop codon 6 codons downstream. This variant is expected to result in nonsense mediated decay, truncation, or a dysfunctional protein product. This variant is rare in the general population with a frequency below the threshold expected for the associated phenotype(s). This variant has been observed in one or more individuals affected with the associated recessive disease, as either homozygous or compound heterozygous with a second variant (PMID: 28671035). Given the available evidence, this variant is classified as Pathogenic.

Labcorp Genetics (formerly Invitae), Labcorp
Classification: Pathogenic. Last evaluated: 2021-03-10. Review status: criteria provided, single submitter. Criteria: Invitae Variant Classification Sherloc (09022015). Collection method: clinical testing. Allele origin: germline.
Comment: For these reasons, this variant has been classified as Pathogenic. This variant disrupts the C-terminus of the HBB protein. Other variant(s) that disrupt this region (p.Asn109Glnfs*32) have been determined to be pathogenic (PMID: 1728311, 1897518, 3683554, 9401495). This suggests that variants that disrupt this region of the protein are likely to be causative of disease. This variant has been observed to segregate with beta thalassemia in a family (PMID: 8889595). ClinVar contains an entry for this variant (Variation ID: 36309). This variant is not present in population databases (ExAC no frequency). This sequence change results in a premature translational stop signal in the HBB gene (p.Leu97Alafs*6). While this is not anticipated to result in nonsense mediated decay, it is expected to disrupt the last 51 amino acids of the HBB protein.

Women's Health and Genetics/Laboratory Corporation of America, LabCorp
Classification: Pathogenic for beta Thalassemia. Last evaluated: 2018-08-14. Review status: criteria provided, single submitter. Criteria: LabCorp Variant Classification Summary - May 2015. Collection method: clinical testing. Allele origin: germline.
Comment: Variant summary: HBB c.287dupA (p.Leu97AlafsX6) results in a premature termination codon, predicted to cause a truncation of the encoded protein or absence of the protein due to nonsense mediated decay, which are commonly known mechanisms for disease. Truncations downstream of this position have been classified as pathogenic by our laboratory (eg. c.323dupG/p.Asn109fsX32). The variant was absent in 277156 control chromosomes (gnomAD). c.287dupA has been reported in the literature in multiple individuals affected with Beta Thalassemia Major (Winichagoon_1992, Cai_1996, Doro_2017). These data indicate that the variant is very likely to be associated with disease. To our knowledge, no experimental evidence demonstrating an impact on protein function has been reported. A ClinVar submission from another clinical diagnostic laboratory (evaluation after 2014) cite the variant as "pathogenic." Based on the evidence outlined above, the variant was classified as pathogenic.

The ITHANET community portal, The Cyprus Institute of Neurology and Genetics
Classification: Pathogenic for beta Thalassemia. Last evaluated: 2019-11-25. Review status: no assertion criteria provided. Collection method: curation. Allele origin: germline. Not counted in ClinVar's aggregate classification.

Literature cited by the submitters: PubMed 24369358 (cited by Quest Diagnostics Nichols Institute San Juan Capistrano and Women's Health and Genetics/Laboratory Corporation of America, LabCorp); PubMed 10870880 (cited by Quest Diagnostics Nichols Institute San Juan Capistrano); PubMed 1515453 (cited by 3 submitters); PubMed 8889595 (cited by 4 submitters); PubMed 12353305 (cited by Quest Diagnostics Nichols Institute San Juan Capistrano); PubMed 35023007 (cited by Quest Diagnostics Nichols Institute San Juan Capistrano); PubMed 28671035 (cited by Quest Diagnostics Nichols Institute San Juan Capistrano and Natera, Inc.); PubMed 31286593 (cited by Quest Diagnostics Nichols Institute San Juan Capistrano); PubMed 1728311 (cited by Labcorp Genetics (formerly Invitae), Labcorp); PubMed 1897518 (cited by Labcorp Genetics (formerly Invitae), Labcorp); PubMed 3683554 (cited by Labcorp Genetics (formerly Invitae), Labcorp); PubMed 9401495 (cited by Labcorp Genetics (formerly Invitae), Labcorp).